The following is an entry in ClinVar:

NM_001377.3(DYNC2H1):c.3523del (p.Glu1175fs)

Gene: DYNC2H1 (dynein cytoplasmic 2 heavy chain 1; plus strand). Cytogenetic location: 11q22.3.
Variant type: Deletion.
Coding change: c.3523del on transcript NM_001377.3 (MANE Select); coding-DNA position 3523, one base deleted (G; older notation c.3523delG).
Protein change: p.Glu1175fs; shifts the reading frame from glutamic acid 1175.
Molecular consequence: frameshift variant.
Genome position (GRCh38, 1-based): chr11:103,154,759, G deleted. VCF-style (leftmost placement, unchanged base first): chr11-103154758-AG-A. GRCh37 (hg19) VCF-style: chr11-103025487-AG-A.
Other names: c.3523del, p.Glu1175fs (NM_001080463.2); short protein forms E1175fs.
Identifiers: ClinVar variation 2698547 (VCV002698547.3), dbSNP rs2497049476, ClinGen allele CA2615742735.

ClinVar aggregate classification (germline): Pathogenic (1 of 4 stars; one submission).

Conditions:
Jeune thoracic dystrophy. Also called: Short-rib thoracic dysplasia; Jeune syndrome; Infantile thoracic dystrophy; Thoracic pelvic phalangeal dystrophy; Jeune's syndrome; Chondroectodermal dysplasia-like syndrome. Identifiers: Orphanet 474, MedGen C0265275, MONDO:0018770.

Allele frequency attached by ClinVar (database versions not stated): gnomAD exomes below 0.00001.

Submission:

Labcorp Genetics (formerly Invitae), Labcorp
Classification: Pathogenic for Jeune thoracic dystrophy. Last evaluated: 2023-11-24. Review status: criteria provided, single submitter. Criteria: Invitae Variant Classification Sherloc (09022015). Collection method: clinical testing. Allele origin: germline.
Comment: This sequence change creates a premature translational stop signal (p.Glu1175Asnfs*4) in the DYNC2H1 gene. It is expected to result in an absent or disrupted protein product. Loss-of-function variants in DYNC2H1 are known to be pathogenic (PMID: 23339108, 32753734, 33755199). This variant is not present in population databases (gnomAD no frequency). This variant has not been reported in the literature in individuals affected with DYNC2H1-related conditions. Algorithms developed to predict the effect of sequence changes on RNA splicing suggest that this variant may disrupt the consensus splice site. For these reasons, this variant has been classified as Pathogenic.

Literature cited by the submitters: PubMed 23339108; PubMed 32753734; PubMed 33755199.